The following is an entry in ClinVar:

NM_032237.5(POMK):c.197A>G (p.Lys66Arg)

Gene: POMK (protein O-mannose kinase; plus strand). Cytogenetic location: 8p11.21.
Variant type: single nucleotide variant.
Coding change: c.197A>G on transcript NM_032237.5 (MANE Select); coding-DNA position 197, A replaced by G.
Protein change: p.Lys66Arg; replaces lysine 66 with arginine.
Molecular consequence: missense variant.
Genome position (GRCh38, 1-based): chr8:43,103,745, A>G. VCF-style: chr8-43103745-A-G. GRCh37 (hg19) VCF-style: chr8-42958888-A-G.
Other names: c.197A>G, p.Lys66Arg (NM_001277971.2); short protein forms K66R.
Identifiers: ClinVar variation 2147251 (VCV002147251.3), dbSNP rs775260814, ClinGen allele CA4736217.

ClinVar aggregate classification (germline): Uncertain significance (1 of 4 stars; one submission).

Conditions:
Muscular dystrophy-dystroglycanopathy (congenital with brain and eye anomalies), type a, 12 (MDDGA12). Also called: WALKER-WARBURG SYNDROME OR MUSCLE-EYE-BRAIN DISEASE, POMK-RELATED. Identifiers: Orphanet 899, MedGen C3808964, MONDO:0014101, OMIM 615249.
Limb-girdle muscular dystrophy due to POMK deficiency. Also called: MUSCULAR DYSTROPHY-DYSTROGLYCANOPATHY, LIMB-GIRDLE, POMK-RELATED; Muscular dystrophy-dystroglycanopathy (limb-girdle), type c, 12. Identifiers: Orphanet 445110, MedGen C4015184, MONDO:0014489, OMIM 616094.

Allele frequency attached by ClinVar (database versions not stated): ExAC 0.00001; gnomAD exomes 0.00001; gnomAD 0.00003; TOPMed 0.00003.
gnomAD v4.1: 13 of 1,614,122 alleles (0.00081%); highest among the groups gnomAD compares: Admixed American, 0.0033%; no homozygotes.

Submission:

Labcorp Genetics (formerly Invitae), Labcorp
Classification: Uncertain significance for Muscular dystrophy-dystroglycanopathy (congenital with brain and eye anomalies), type a, 12; Limb-girdle muscular dystrophy due to POMK deficiency. Last evaluated: 2022-04-23. Review status: criteria provided, single submitter. Criteria: Invitae Variant Classification Sherloc (09022015). Collection method: clinical testing. Allele origin: germline.
Comment: In summary, the available evidence is currently insufficient to determine the role of this variant in disease. Therefore, it has been classified as a Variant of Uncertain Significance. Algorithms developed to predict the effect of missense changes on protein structure and function output the following: SIFT: "Tolerated"; PolyPhen-2: "Benign"; Align-GVGD: "Class C0". The arginine amino acid residue is found in multiple mammalian species, which suggests that this missense change does not adversely affect protein function. This variant has not been reported in the literature in individuals affected with POMK-related conditions. This variant is present in population databases (rs775260814, gnomAD 0.006%). This sequence change replaces lysine, which is basic and polar, with arginine, which is basic and polar, at codon 66 of the POMK protein (p.Lys66Arg).